The following is an entry in ClinVar:

ClinVar aggregate classification (germline): Uncertain significance (1 of 4 stars; one submission).

Conditions:
Familial focal epilepsy with variable foci (FPEVF). Identifiers: Orphanet 98820, MedGen C1858477, MONDO:0020310.

Allele frequency attached by ClinVar (database versions not stated): TOPMed below 0.00001; gnomAD 0.00001.
gnomAD v4.1: 1 of 1,611,950 alleles (0.000062%); highest among the groups gnomAD compares: Non-Finnish European, 0.000085%; no homozygotes.

Submission:

Labcorp Genetics (formerly Invitae), Labcorp
Classification: Uncertain significance for Familial focal epilepsy with variable foci. Last evaluated: 2021-05-04. Review status: criteria provided, single submitter. Criteria: Invitae Variant Classification Sherloc (09022015). Collection method: clinical testing. Allele origin: germline.
Comment: This variant has not been reported in the literature in individuals with DEPDC5-related conditions. Nucleotide substitutions within the consensus splice site are a relatively common cause of aberrant splicing (PMID: 17576681, 9536098). Algorithms developed to predict the effect of sequence changes on RNA splicing suggest that this variant may disrupt the consensus splice site, but this prediction has not been confirmed by published transcriptional studies. This variant is not present in population databases (ExAC no frequency). This sequence change falls in intron 6 of the DEPDC5 gene. It does not directly change the encoded amino acid sequence of the DEPDC5 protein. It affects a nucleotide within the consensus splice site of the intron. In summary, the available evidence is currently insufficient to determine the role of this variant in disease. Therefore, it has been classified as a Variant of Uncertain Significance.

Literature cited by the submitters: PubMed 17576681; PubMed 9536098.

NM_001242896.3(DEPDC5):c.363+5G>C

Gene: DEPDC5 (DEP domain containing 5, GATOR1 subcomplex subunit; plus strand). Cytogenetic location: 22q12.2.
Variant type: single nucleotide variant.
Coding change: c.363+5G>C on transcript NM_001242896.3 (MANE Select); 5 bases into the intron after coding-DNA position 363, G replaced by C.
Molecular consequence: intron variant.
Genome position (GRCh38, 1-based): chr22:31,766,673, G>C. VCF-style: chr22-31766673-G-C. GRCh37 (hg19) VCF-style: chr22-32162659-G-C.
Other names: c.363+5G>C (NM_001364318.2, NM_001136029.4, NM_014662.6 and 7 more transcripts); c.279+1613G>C (NM_001369902.1, NM_001369901.1).
Identifiers: ClinVar variation 1351299 (VCV001351299.6), dbSNP rs2082845308, ClinGen allele CA1025115725.